The following is an entry in ClinVar:

ClinVar aggregate classification (germline): Uncertain significance (1 of 4 stars; one submission).

Conditions:
Heterotaxy, visceral, 1, X-linked (HTX1). Also called: Laterality, X-linked; Visceral heterotaxia; SITUS INVERSUS, COMPLEX CARDIAC DEFECTS, AND SPLENIC DEFECTS, X-LINKED; DEXTROCARDIA WITH OTHER CARDIAC MALFORMATIONS. Identifiers: Orphanet 450, MedGen C1844020, MONDO:0010607, OMIM 306955.

Allele frequency attached by ClinVar (database versions not stated): gnomAD exomes 0.00001; TOPMed 0.00001.
gnomAD v4.1: 9 of 1,212,426 alleles (0.00074%); highest among the groups gnomAD compares: Non-Finnish European, 0.001%; no homozygotes.

Submission:

Labcorp Genetics (formerly Invitae), Labcorp
Classification: Uncertain significance for Heterotaxy, visceral, 1, X-linked. Last evaluated: 2023-08-04. Review status: criteria provided, single submitter. Criteria: Invitae Variant Classification Sherloc (09022015). Collection method: clinical testing. Allele origin: germline.
Comment: ClinVar contains an entry for this variant (Variation ID: 1989152). This missense change has been observed in individual(s) with clinical features of ZIC3-related conditions (PMID: 26014430). Advanced modeling of protein sequence and biophysical properties (such as structural, functional, and spatial information, amino acid conservation, physicochemical variation, residue mobility, and thermodynamic stability) performed at Invitae indicates that this missense variant is not expected to disrupt ZIC3 protein function. In summary, the available evidence is currently insufficient to determine the role of this variant in disease. Therefore, it has been classified as a Variant of Uncertain Significance. This sequence change replaces glutamine, which is neutral and polar, with histidine, which is basic and polar, at codon 292 of the ZIC3 protein (p.Gln292His). This variant is present in population databases (no rsID available, gnomAD 0.001%).

Literature cited by the submitters: PubMed 26014430.

NM_003413.4(ZIC3):c.876G>C (p.Gln292His)

Gene: ZIC3 (Zic family zinc finger 3; plus strand). Cytogenetic location: Xq26.3.
Variant type: single nucleotide variant.
Coding change: c.876G>C on transcript NM_003413.4 (MANE Select); coding-DNA position 876, G replaced by C.
Protein change: p.Gln292His; replaces glutamine 292 with histidine.
Molecular consequence: missense variant.
Genome position (GRCh38, 1-based): chrX:137,567,567, G>C. VCF-style: chrX-137567567-G-C. GRCh37 (hg19) VCF-style: chrX-136649726-G-C.
Other names: c.876G>C, p.Gln292His (NM_001330661.1); short protein forms Q292H.
Identifiers: ClinVar variation 1989152 (VCV001989152.4), dbSNP rs1444020526, ClinGen allele CA414770894.